The following is an entry in ClinVar:

ClinVar aggregate classification (germline): Likely pathogenic (1 of 4 stars; one submission).

Submission:

GeneDx
Classification: Likely pathogenic. Last evaluated: 2022-12-06. Review status: criteria provided, single submitter. Criteria: GeneDx Variant Classification Process June 2021. Collection method: clinical testing. Allele origin: germline. Affected: yes.
Comment: Has not been previously published as pathogenic or benign to our knowledge; In-frame deletion of 9 amino acids in a non-repeat region predicted to critically alter the protein; Not observed at significant frequency in large population cohorts (gnomAD); In silico analysis supports a deleterious effect on protein structure/function

NM_000094.4(COL7A1):c.6855_6881del (p.Val2286_Pro2294del)

Gene: COL7A1 (collagen type VII alpha 1 chain; minus strand). Cytogenetic location: 3p21.31.
Variant type: Deletion.
Coding change: c.6855_6881del on transcript NM_000094.4 (MANE Select); coding-DNA positions 6855 to 6881, 27 bases deleted (TGTCGGACCTAAAGGAGAACCTGGCCC).
Protein change: p.Val2286_Pro2294del.
Molecular consequence: inframe deletion.
Genome position (GRCh38, 1-based): chr3:48,572,690-48,572,716, GGGCCAGGTTCTCCTTTAGGTCCGACA deleted on the plus strand (TGTCGGACCTAAAGGAGAACCTGGCCC on the coding strand, the reverse complement: COL7A1 is on the minus strand); deleting any 27 consecutive bases within chr3:48,572,690-48,572,724 gives the same sequence; the c. name uses the placement nearest the transcript's 3' end. VCF-style (leftmost placement, unchanged base first): chr3-48572689-GGGGCCAGGTTCTCCTTTAGGTCCGACA-G. GRCh37 (hg19) VCF-style: chr3-48610122-GGGGCCAGGTTCTCCTTTAGGTCCGACA-G.
Other names: c.6855_6881del27 (NM_000094.3).
Identifiers: ClinVar variation 504437 (VCV000504437.3), dbSNP rs1553853012, ClinGen allele CA658796304.